The following is an entry in ClinVar:

ClinVar aggregate classification (germline): Uncertain significance (1 of 4 stars; one submission).

Conditions:
Cardiovascular phenotype. Identifiers: MedGen CN230736.
Hereditary cancer-predisposing syndrome. Also called: Neoplastic Syndromes, Hereditary; Tumor predisposition; Hereditary Cancer Syndrome; Hereditary neoplastic syndrome. Identifiers: Orphanet 140162, MedGen C0027672, MeSH D009386, MONDO:0015356.

gnomAD v4.1: 1 of 1,613,892 alleles (0.000062%); highest among the groups gnomAD compares: Non-Finnish European, 0.000085%; no homozygotes.

Submission:

Ambry Genetics
Classification: Uncertain significance for Cardiovascular phenotype; Hereditary cancer-predisposing syndrome. Last evaluated: 2026-05-21. Review status: criteria provided, single submitter. Criteria: Ambry Variant Classification Scheme 2023. Collection method: clinical testing. Allele origin: germline.
Comment: The p.S1312F variant (also known as c.3935C>T), located in coding exon 29 of the NF1 gene, results from a C to T substitution at nucleotide position 3935. The serine at codon 1312 is replaced by phenylalanine, an amino acid with highly dissimilar properties. This amino acid position is not well conserved in available vertebrate species. In addition, this alteration is predicted to be tolerated by in silico analysis. Based on the available evidence, the clinical significance of this variant remains unclear.

NM_001042492.3(NF1):c.3935C>T (p.Ser1312Phe)

Gene: NF1 (neurofibromin 1; plus strand). Cytogenetic location: 17q11.2.
Variant type: single nucleotide variant.
Coding change: c.3935C>T on transcript NM_001042492.3 (MANE Select); coding-DNA position 3935, C replaced by T.
Protein change: p.Ser1312Phe; replaces serine 1312 with phenylalanine.
Molecular consequence: missense variant.
Genome position (GRCh38, 1-based): chr17:31,235,982, C>T. VCF-style: chr17-31235982-C-T. GRCh37 (hg19) VCF-style: chr17-29563000-C-T.
Other names: c.3935C>T, p.Ser1312Phe (NM_000267.4); short protein forms S1312F.
Identifiers: ClinVar variation 4860965 (VCV004860965.1).